The following is an entry in ClinVar:

ClinVar aggregate classification (germline): Likely pathogenic (0 of 4 stars; one submission).

Conditions:
Holocarboxylase synthetase deficiency. Also called: MULTIPLE CARBOXYLASE DEFICIENCY, EARLY ONSET. Identifiers: Orphanet 79242, MedGen C0268581, MONDO:0009666, OMIM 253270.

Submission:

Neonatal Disease Screening Center, Medical Genetics Center, Huaihua City Maternal and Child Health Care Hospital
Classification: Likely pathogenic for Holocarboxylase synthetase deficiency. Review status: no assertion criteria provided. Criteria: ACMG Guidelines, 2015. Collection method: clinical testing. Allele origin: germline. Affected: yes. Observed: 1 variant allele.
Comment: PVS1+PM2_P

NM_001352514.2(HLCS):c.1610C>G (p.Ser537Ter)

Gene: HLCS (holocarboxylase synthetase; minus strand). Cytogenetic location: 21q22.13.
Variant type: single nucleotide variant.
Coding change: c.1610C>G on transcript NM_001352514.2 (MANE Select); coding-DNA position 1610, C replaced by G.
Protein change: p.Ser537Ter; replaces serine 537 with a stop codon.
Molecular consequence: nonsense. On other transcripts: non-coding transcript variant (2).
Genome position (GRCh38, 1-based): chr21:36,930,261, G>C on the plus strand (C>G on the coding strand, the complement: HLCS is on the minus strand). VCF-style: chr21-36930261-G-C. GRCh37 (hg19) VCF-style: chr21-38302561-G-C.
Other names: c.1169C>G, p.Ser390Ter (NM_000411.8, NM_001242784.3, NM_001242785.2 and 4 more transcripts); short protein forms S390*, S537*.
Identifiers: ClinVar variation 3061789 (VCV003061789.2), dbSNP rs2517546260, ClinGen allele CA409910986.